The following is an entry in ClinVar:

ClinVar aggregate classification (germline): Likely benign (1 of 4 stars; one submission).

Conditions:
ADAMTS3-related disorder. Also called: ADAMTS3-related condition.

Submission:

PreventionGenetics, part of Exact Sciences
Classification: Likely benign for ADAMTS3-related condition. Last evaluated: 2024-10-27. Review status: criteria provided, single submitter. Criteria: ACMG Guidelines, 2015. Collection method: clinical testing. Allele origin: germline.
Comment: This variant is classified as likely benign based on ACMG/AMP sequence variant interpretation guidelines (Richards et al. 2015 PMID: 25741868, with internal and published modifications).

NM_014243.3(ADAMTS3):c.3050-10A>C

Gene: ADAMTS3 (ADAM metallopeptidase with thrombospondin type 1 motif 3; minus strand). Cytogenetic location: 4q13.3.
Variant type: single nucleotide variant.
Coding change: c.3050-10A>C on transcript NM_014243.3 (MANE Select); 10 bases into the intron before coding-DNA position 3050, A replaced by C.
Molecular consequence: intron variant.
Genome position (GRCh38, 1-based): chr4:72,283,714, T>G on the plus strand (A>C on the coding strand, the complement: ADAMTS3 is on the minus strand). VCF-style: chr4-72283714-T-G. GRCh37 (hg19) VCF-style: chr4-73149431-T-G.
Identifiers: ClinVar variation 5000279 (VCV005000279.1).